The following is an entry in ClinVar:

ClinVar aggregate classification (germline): Uncertain significance. Review status: criteria provided, multiple submitters, no conflicts (2 of 4 stars). 2 submissions from 2 submitters: Uncertain significance (2). Last evaluated 2025-07-17.

Conditions:
Hereditary cancer-predisposing syndrome. Also called: Tumor predisposition; Hereditary neoplastic syndrome; Neoplastic Syndromes, Hereditary; Hereditary Cancer Syndrome. Identifiers: Orphanet 140162, MedGen C0027672, MeSH D009386, MONDO:0015356.
Oligodontia-cancer predisposition syndrome. Also called: TOOTH AGENESIS-COLORECTAL CANCER SYNDROME. Identifiers: Orphanet 300576, MedGen C1837750, MONDO:0012075, OMIM 608615. Disease mechanism: loss of function.

gnomAD v4.1: 3 of 1,613,682 alleles (0.00019%); highest among the groups gnomAD compares: Non-Finnish European, 0.00025%; no homozygotes.

Submissions (2):

Ambry Genetics
Classification: Uncertain significance for Hereditary cancer-predisposing syndrome. Last evaluated: 2025-07-17. Review status: criteria provided, single submitter. Criteria: Ambry Variant Classification Scheme 2023. Collection method: clinical testing. Allele origin: germline.
Comment: The p.H669Q variant (also known as c.2007C>G), located in coding exon 7 of the AXIN2 gene, results from a C to G substitution at nucleotide position 2007. The histidine at codon 669 is replaced by glutamine, an amino acid with highly similar properties. This amino acid position is highly conserved in available vertebrate species. In addition, the in silico prediction for this alteration is inconclusive. Since supporting evidence is limited at this time, the clinical significance of this alteration remains unclear.

Labcorp Genetics (formerly Invitae), Labcorp
Classification: Uncertain significance for Oligodontia-cancer predisposition syndrome. Last evaluated: 2024-05-21. Review status: criteria provided, single submitter. Criteria: Invitae Variant Classification Sherloc (09022015). Collection method: clinical testing. Allele origin: germline.
Comment: This sequence change replaces histidine, which is basic and polar, with glutamine, which is neutral and polar, at codon 669 of the AXIN2 protein (p.His669Gln). This variant is present in population databases (rs756419208, gnomAD 0.0009%). This variant has not been reported in the literature in individuals affected with AXIN2-related conditions. ClinVar contains an entry for this variant (Variation ID: 1490626). Advanced modeling of protein sequence and biophysical properties (such as structural, functional, and spatial information, amino acid conservation, physicochemical variation, residue mobility, and thermodynamic stability) performed at Invitae indicates that this missense variant is not expected to disrupt AXIN2 protein function with a negative predictive value of 80%. In summary, the available evidence is currently insufficient to determine the role of this variant in disease. Therefore, it has been classified as a Variant of Uncertain Significance.

NM_004655.4(AXIN2):c.2007C>G (p.His669Gln)

Gene: AXIN2 (axin 2; minus strand). Cytogenetic location: 17q24.1.
Variant type: single nucleotide variant.
Coding change: c.2007C>G on transcript NM_004655.4 (MANE Select); coding-DNA position 2007, C replaced by G.
Protein change: p.His669Gln; replaces histidine 669 with glutamine.
Molecular consequence: missense variant.
Genome position (GRCh38, 1-based): chr17:65,536,454, G>C on the plus strand (C>G on the coding strand, the complement: AXIN2 is on the minus strand). VCF-style: chr17-65536454-G-C. GRCh37 (hg19) VCF-style: chr17-63532572-G-C.
Other names: c.1812C>G, p.His604Gln (NM_001363813.1); short protein forms H669Q, H604Q.
Identifiers: ClinVar variation 1490626 (VCV001490626.11), dbSNP rs756419208, ClinGen allele CA8718433.